The following is an entry in ClinVar:

ClinVar aggregate classification (germline): Uncertain significance. Review status: criteria provided, multiple submitters, no conflicts (2 of 4 stars). 2 submissions from 2 submitters: Uncertain significance (2). Last evaluated 2019-06-07.

Conditions:
Inborn genetic diseases. Identifiers: MedGen C0950123, MeSH D030342.
Cortical dysplasia-focal epilepsy syndrome (PTHSL1). Also called: Pitt-Hopkins-like syndrome 1. Identifiers: Orphanet 163681, Orphanet 221150, MedGen C2750246, MONDO:0012400, OMIM 610042.

Allele frequency attached by ClinVar (database versions not stated): TOPMed 0.00001.

Submissions (2):

Labcorp Genetics (formerly Invitae), Labcorp
Classification: Uncertain significance for Cortical dysplasia-focal epilepsy syndrome. Last evaluated: 2019-06-07. Review status: criteria provided, single submitter. Criteria: Invitae Variant Classification Sherloc (09022015). Collection method: clinical testing. Allele origin: germline.
Comment: This variant is not present in population databases (ExAC no frequency). In summary, the available evidence is currently insufficient to determine the role of this variant in disease. Therefore, it has been classified as a Variant of Uncertain Significance. Algorithms developed to predict the effect of missense changes on protein structure and function are either unavailable or do not agree on the potential impact of this missense change (SIFT: "Tolerated"; PolyPhen-2: "Possibly Damaging"; Align-GVGD: "Class C0"). This variant has not been reported in the literature in individuals with CNTNAP2-related conditions. This sequence change replaces glycine with aspartic acid at codon 344 of the CNTNAP2 protein (p.Gly344Asp). The glycine residue is weakly conserved and there is a moderate physicochemical difference between glycine and aspartic acid.

Ambry Genetics
Classification: Uncertain significance for Inborn genetic diseases. Last evaluated: 2018-10-11. Review status: criteria provided, single submitter. Criteria: Ambry Variant Classification Scheme 2023. Collection method: clinical testing. Allele origin: germline.
Comment: The p.G344D variant (also known as c.1031G>A), located in coding exon 7 of the CNTNAP2 gene, results from a G to A substitution at nucleotide position 1031. The glycine at codon 344 is replaced by aspartic acid, an amino acid with similar properties. This amino acid position is well conserved in available vertebrate species. In addition, this alteration is predicted to be deleterious by in silico analysis. Since supporting evidence is limited at this time, the clinical significance of this alteration remains unclear.

NM_014141.6(CNTNAP2):c.1031G>A (p.Gly344Asp)

Gene: CNTNAP2 (contactin associated protein 2; plus strand). Cytogenetic location: 7q35.
Variant type: single nucleotide variant.
Coding change: c.1031G>A on transcript NM_014141.6 (MANE Select); coding-DNA position 1031, G replaced by A.
Protein change: p.Gly344Asp; replaces glycine 344 with aspartic acid.
Molecular consequence: missense variant.
Genome position (GRCh38, 1-based): chr7:147,128,784, G>A. VCF-style: chr7-147128784-G-A. GRCh37 (hg19) VCF-style: chr7-146825876-G-A.
Other names: short protein forms G344D.
Identifiers: ClinVar variation 937631 (VCV000937631.12), dbSNP rs1277235702, ClinGen allele CA369924327.